The following is an entry in ClinVar:

ClinVar aggregate classification (germline): Pathogenic (1 of 4 stars; one submission).

Submission:

Labcorp Genetics (formerly Invitae), Labcorp
Classification: Pathogenic. Last evaluated: 2021-12-21. Review status: criteria provided, single submitter. Criteria: Invitae Variant Classification Sherloc (09022015). Collection method: clinical testing. Allele origin: germline.
Comment: For these reasons, this variant has been classified as Pathogenic. This variant has not been reported in the literature in individuals affected with ADGRV1-related conditions. This variant is not present in population databases (gnomAD no frequency). This sequence change creates a premature translational stop signal (p.Pro4724Thrfs*2) in the ADGRV1 gene. It is expected to result in an absent or disrupted protein product. Loss-of-function variants in ADGRV1 are known to be pathogenic (PMID: 19357117, 22135276, 22147658, 26226137, 26667666, 30029497, 32467589).

Literature cited by the submitters: PubMed 19357117; PubMed 22135276; PubMed 22147658; PubMed 26226137; PubMed 26667666; PubMed 30029497; PubMed 32467589.

NM_032119.4(ADGRV1):c.14169dup (p.Pro4724fs)

Gene: ADGRV1 (adhesion G protein-coupled receptor V1; plus strand). Cytogenetic location: 5q14.3.
Variant type: Duplication.
Coding change: c.14169dup on transcript NM_032119.4 (MANE Select); coding-DNA position 14169, one base duplicated (A; older notation c.14169dupA).
Protein change: p.Pro4724fs; shifts the reading frame from proline 4724.
Molecular consequence: frameshift variant. On other transcripts: non-coding transcript variant (1).
Genome position (GRCh38, 1-based): chr5:90,790,998, A duplicated. VCF-style (leftmost placement, unchanged base first): chr5-90790997-T-TA. GRCh37 (hg19) VCF-style: chr5-90086814-T-TA.
Other names: short protein forms P4724fs.
Identifiers: ClinVar variation 2028133 (VCV002028133.4), dbSNP rs2532008000, ClinGen allele CA2580073756.